The following is an entry in ClinVar:

NM_000069.3(CACNA1S):c.4339-9C>T

Gene: CACNA1S (calcium voltage-gated channel subunit alpha1 S; minus strand). Cytogenetic location: 1q32.1.
Variant type: single nucleotide variant.
Coding change: c.4339-9C>T on transcript NM_000069.3 (MANE Select); 9 bases into the intron before coding-DNA position 4339, C replaced by T.
Molecular consequence: intron variant.
Genome position (GRCh38, 1-based): chr1:201,048,693, G>A on the plus strand (C>T on the coding strand, the complement: CACNA1S is on the minus strand). VCF-style: chr1-201048693-G-A. GRCh37 (hg19) VCF-style: chr1-201017821-G-A.
Identifiers: ClinVar variation 3071939 (VCV003071939.2), dbSNP rs1183463673, ClinGen allele CA528536561.

ClinVar aggregate classification (germline): Likely benign. Review status: criteria provided, multiple submitters, no conflicts (2 of 4 stars). 2 submissions from 2 submitters: Likely benign (2). Last evaluated 2023-06-26.

Conditions:
Malignant hyperthermia, susceptibility to, 5 (MHS5). Also called: CACNA1S-Related Malignant Hyperthermia Susceptibility. Identifiers: Orphanet 423, MedGen C1866077, MONDO:0011163, OMIM 601887.

Allele frequency attached by ClinVar (database versions not stated): gnomAD exomes below 0.00001; TOPMed below 0.00001; gnomAD 0.00001.
gnomAD v4.1: 4 of 1,610,832 alleles (0.00025%); highest among the groups gnomAD compares: African/African-American, 0.0053%; no homozygotes.

Submissions (2):

All of Us Research Program, National Institutes of Health
Classification: Likely benign for Malignant hyperthermia, susceptibility to, 5. Last evaluated: 2023-06-26. Review status: criteria provided, single submitter. Criteria: ACMG Guidelines, 2015. Collection method: clinical testing. Allele origin: germline. Inheritance: Autosomal dominant inheritance. Observed: 1 variant allele, 1 heterozygote.
Comment: This study involves interpretation of variants in research participants for the purpose of population health screening. Participant phenotype was not available at the time of variant classification. Additional details can be found in publication PMID: 35346344, PMCID: PMC8962531

Color Diagnostics, LLC DBA Color Health
Classification: Likely benign for Malignant hyperthermia, susceptibility to, 5. Last evaluated: 2023-06-09. Review status: criteria provided, single submitter. Criteria: ACMG Guidelines, 2015. Collection method: clinical testing. Allele origin: germline.